The following is an entry in ClinVar:

NM_017636.4(TRPM4):c.337C>A (p.Arg113Ser)

Gene: TRPM4 (transient receptor potential cation channel subfamily M member 4; plus strand). Cytogenetic location: 19q13.33.
Variant type: single nucleotide variant.
Coding change: c.337C>A on transcript NM_017636.4 (MANE Select); coding-DNA position 337, C replaced by A.
Protein change: p.Arg113Ser; replaces arginine 113 with serine.
Molecular consequence: missense variant. On other transcripts: intron variant (4).
Genome position (GRCh38, 1-based): chr19:49,167,986, C>A. VCF-style: chr19-49167986-C-A. GRCh37 (hg19) VCF-style: chr19-49671243-C-A.
Other names: c.337C>A, p.Arg113Ser (NM_001195227.2); c.-1105-274C>A (NM_001321282.2); c.268-567C>A (NM_001321281.2); c.-74-274C>A (NM_001321283.2); c.-237-567C>A (NM_001321285.2); short protein forms R113S.
Identifiers: ClinVar variation 3329237 (VCV003329237.1).

ClinVar aggregate classification (germline): Uncertain significance (1 of 4 stars; one submission).

Conditions:
Cardiovascular phenotype. Identifiers: MedGen CN230736.

Submission:

Ambry Genetics
Classification: Uncertain significance for Cardiovascular phenotype. Last evaluated: 2024-04-20. Review status: criteria provided, single submitter. Criteria: Ambry Variant Classification Scheme 2023. Collection method: clinical testing. Allele origin: germline.
Comment: The p.R113S variant (also known as c.337C>A), located in coding exon 4 of the TRPM4 gene, results from a C to A substitution at nucleotide position 337. The arginine at codon 113 is replaced by serine, an amino acid with dissimilar properties. This amino acid position is conserved. In addition, this alteration is predicted to be tolerated by in silico analysis. Based on the available evidence, the clinical significance of this variant remains unclear.